The following is an entry in ClinVar:

ClinVar aggregate classification (germline): Uncertain significance (1 of 4 stars; one submission).

Submission:

Ambry Genetics
Classification: Uncertain significance. Last evaluated: 2024-04-24. Review status: criteria provided, single submitter. Criteria: Ambry Variant Classification Scheme 2023. Collection method: clinical testing. Allele origin: germline.
Comment: The p.A599S variant (also known as c.1795G>T), located in coding exon 3 of the ALPK2 gene, results from a G to T substitution at nucleotide position 1795. The alanine at codon 599 is replaced by serine, an amino acid with similar properties. This amino acid position is conserved. In addition, this alteration is predicted to be tolerated by in silico analysis. Based on the available evidence, the clinical significance of this variant remains unclear.

NM_052947.4(ALPK2):c.1795G>T (p.Ala599Ser)

Gene: ALPK2 (alpha kinase 2; minus strand). Cytogenetic location: 18q21.31.
Variant type: single nucleotide variant.
Coding change: c.1795G>T on transcript NM_052947.4 (MANE Select); coding-DNA position 1795, G replaced by T.
Protein change: p.Ala599Ser; replaces alanine 599 with serine.
Molecular consequence: missense variant.
Genome position (GRCh38, 1-based): chr18:58,578,981, C>A on the plus strand (G>T on the coding strand, the complement: ALPK2 is on the minus strand). VCF-style: chr18-58578981-C-A. GRCh37 (hg19) VCF-style: chr18-56246213-C-A.
Other names: short protein forms A599S.
Identifiers: ClinVar variation 3290191 (VCV003290191.1).